The following is an entry in ClinVar:

NM_000038.6(APC):c.3070C>G (p.Pro1024Ala)

Gene: APC (APC regulator of Wnt signaling pathway; plus strand). Cytogenetic location: 5q22.2.
Variant type: single nucleotide variant.
Coding change: c.3070C>G on transcript NM_000038.6 (MANE Select); coding-DNA position 3070, C replaced by G.
Protein change: p.Pro1024Ala; replaces proline 1024 with alanine.
Molecular consequence: missense variant. On other transcripts: non-coding transcript variant (2).
Genome position (GRCh38, 1-based): chr5:112,838,664, C>G. VCF-style: chr5-112838664-C-G. GRCh37 (hg19) VCF-style: chr5-112174361-C-G.
Other names: c.3070C>G, p.Pro1024Ala (NM_001127510.3, NM_001354895.2, NM_001407450.1); c.3016C>G, p.Pro1006Ala (NM_001127511.3); c.3124C>G, p.Pro1042Ala (NM_001354896.2, NM_001407447.1, NM_001407448.1 and 1 more transcripts); c.3100C>G, p.Pro1034Ala (NM_001354897.2); c.2995C>G, p.Pro999Ala (NM_001354898.2); c.2986C>G, p.Pro996Ala (NM_001354899.2); c.2947C>G, p.Pro983Ala (NM_001354900.2); c.2893C>G, p.Pro965Ala (NM_001354901.2, NM_001407453.1); and 11 more; short protein forms P640A, P895A, P933A, P999A, P1014A, P1017A, P1052A, P741A.
Identifiers: ClinVar variation 2774891 (VCV002774891.2), dbSNP rs587779785, ClinGen allele CA16028057.
Genomic context (GRCh38, chr5:112,838,664, plus strand): 5'-CTAGCCCATAAAATACATAGTGCAAATCATATGGATGATAATGATGGAGAACTAGATACA[C>G]CAATAAATTATAGTCTTAAATATTCAGATGAGCAGTTGAACTCTGGAAGGCAAAGTCCTT-3'
Protein context (NP_000029.2, residues 1014-1034): MDDNDGELDT[Pro1024Ala]INYSLKYSDE

ClinVar aggregate classification (germline): Uncertain significance (1 of 4 stars; one submission).

Conditions:
Hereditary cancer-predisposing syndrome. Also called: Neoplastic Syndromes, Hereditary; Tumor predisposition; Hereditary Cancer Syndrome; Hereditary neoplastic syndrome. Identifiers: Orphanet 140162, MedGen C0027672, MeSH D009386, MONDO:0015356.

Submission:

Color Diagnostics, LLC DBA Color Health
Classification: Uncertain significance for Hereditary cancer-predisposing syndrome. Last evaluated: 2023-06-27. Review status: criteria provided, single submitter. Criteria: ACMG Guidelines, 2015. Collection method: clinical testing. Allele origin: germline.
Comment: This missense variant replaces proline with alanine at codon 1024 of the APC protein. Computational prediction suggests that this variant may have deleterious impact on protein structure and function (internally defined REVEL score threshold >= 0.7, PMID: 27666373). To our knowledge, functional studies have not been reported for this variant. This variant has not been reported in individuals affected with APC-related disorders in the literature. This variant has not been identified in the general population by the Genome Aggregation Database (gnomAD). The available evidence is insufficient to determine the role of this variant in disease conclusively. Therefore, this variant is classified as a Variant of Uncertain Significance.